The following is an entry in ClinVar:

NM_058195.4(CDKN2A):c.167G>A (p.Gly56Glu)

Gene: CDKN2A (cyclin dependent kinase inhibitor 2A; minus strand). Cytogenetic location: 9p21.3.
Variant type: single nucleotide variant.
Coding change: c.167G>A on transcript NM_058195.4 (MANE Plus Clinical); coding-DNA position 167, G replaced by A.
Protein change: p.Gly56Glu; replaces glycine 56 with glutamic acid.
Molecular consequence: missense variant. On other transcripts: intron variant (1).
Genome position (GRCh38, 1-based): chr9:21,994,165, C>T on the plus strand (G>A on the coding strand, the complement: CDKN2A is on the minus strand). VCF-style: chr9-21994165-C-T. GRCh37 (hg19) VCF-style: chr9-21994164-C-T.
Other names: c.-4+656G>A (NM_001363763.2); short protein forms G56E.
Identifiers: ClinVar variation 463514 (VCV000463514.20), dbSNP rs748327367, ClinGen allele CA5012379.

ClinVar aggregate classification (germline): Uncertain significance. Review status: criteria provided, multiple submitters, no conflicts (2 of 4 stars). 7 submissions from 7 submitters: Uncertain significance (6). 1 of the submissions does not count toward it. Last evaluated 2024-06-03.

Conditions:
Familial melanoma. Also called: Hereditary melanoma; Hereditary cutaneous melanoma. Identifiers: Orphanet 618, MedGen C1512419, MONDO:0018961.
Hereditary cancer-predisposing syndrome. Also called: Neoplastic Syndromes, Hereditary; Hereditary Cancer Syndrome; Tumor predisposition; Hereditary neoplastic syndrome. Identifiers: Orphanet 140162, MedGen C0027672, MeSH D009386, MONDO:0015356.
Melanoma and neural system tumor syndrome. Also called: MELANOMA-ASTROCYTOMA SYNDROME. Identifiers: Orphanet 252206, MedGen C1835042, MONDO:0007967, OMIM 155755.
Melanoma-pancreatic cancer syndrome. Identifiers: Orphanet 404560, MedGen C1838547, MONDO:0011713, OMIM 606719. Disease mechanism: loss of function.

Allele frequency attached by ClinVar (database versions not stated): gnomAD exomes 0.00001 and 0.00003; TOPMed 0.00001; gnomAD 0.00002; ExAC 0.00001.
gnomAD v4.1: 49 of 1,603,288 alleles (0.0031%); highest among the groups gnomAD compares: Non-Finnish European, 0.0041%; no homozygotes.

Submissions (7):

Ambry Genetics
Classification: Uncertain significance for Hereditary cancer-predisposing syndrome. Last evaluated: 2024-06-03. Review status: criteria provided, single submitter. Criteria: Ambry Variant Classification Scheme 2023. Collection method: clinical testing. Allele origin: germline.
Comment: The p.G56E variant (also known as c.167G>A), located in coding exon 1 of the CDKN2A (p14ARF) gene, results from a G to A substitution at nucleotide position 167. The glycine at codon 56 is replaced by glutamic acid, an amino acid with similar properties. This alteration was identified in 2/1358 non-cancer control individuals and in 0/57 cases, in a study looking at cancer predisposition mutations in patients with cutaneous melanoma and a history of at least two additional non-cutaneous melanoma primary cancers (Pritchard AL et al. PLoS One, 2018 Apr;13:e0194098). This amino acid position is not well conserved in available vertebrate species. Based on the available evidence, the clinical significance of this variant remains unclear.

Baylor Genetics
Classification: Uncertain significance for Melanoma and neural system tumor syndrome. Last evaluated: 2023-12-25. Review status: criteria provided, single submitter. Criteria: ACMG Guidelines, 2015. Collection method: clinical testing. Allele origin: unknown.

GeneDx
Classification: Uncertain significance. Last evaluated: 2023-05-26. Review status: criteria provided, single submitter. Criteria: GeneDx Variant Classification Process June 2021. Collection method: clinical testing. Allele origin: germline. Affected: yes.
Comment: This variant in the p14-ARF isoform is not expected to affect the p16 protein; Observed among control individuals in a melanoma case-control study (Pritchard et al., 2018); Not observed at significant frequency in large population cohorts (gnomAD); In silico analysis supports that this missense variant has a deleterious effect on protein structure/function; This variant is associated with the following publications: (PMID: 29641532, 9653180, 9529249, 16173922)

Myriad Genetics, Inc.
Classification: Uncertain significance for Melanoma-pancreatic cancer syndrome. Last evaluated: 2023-04-21. Review status: criteria provided, single submitter. Criteria: Myriad Autosomal Dominant, Autosomal Recessive and X-Linked Classification Criteria (2023). Collection method: clinical testing. Allele origin: unknown.
Comment: This variant is classified as a variant of uncertain significance as there is insufficient evidence to determine its impact on protein function and/or cancer risk.

Sema4
Classification: Uncertain significance for Hereditary cancer-predisposing syndrome. Last evaluated: 2021-07-13. Review status: criteria provided, single submitter. Criteria: Sema4 Curation Guidelines. Collection method: curation. Allele origin: germline.
Comment: The CDKN2A c.167G>A (p.G56E) variant has not been reported in the literature in individuals with CDKN2A-related disease. The variant is located in coding exon 1b of the p14 isoform and does not impact the p16-encoding isoform. It was observed in 4/123134 chromosomes of the Non-Finnish European subpopulation in the large and broad cohorts of the Genome Aggregation Database (PMID: 32461654). The variant has been reported in ClinVar (Variation ID 463514). In silico tools suggest the impact of the variant on protein function is inconclusive, though these predictions have not been confirmed by functional studies. The evidence is insufficient to meet ACMG/AMP criteria for classifying the variant as benign or pathogenic. Thus, the clinical significance of this variant is currently uncertain.

Labcorp Genetics (formerly Invitae), Labcorp
Classification: Uncertain significance for Familial melanoma. Last evaluated: 2020-09-24. Review status: criteria provided, single submitter. Criteria: Invitae Variant Classification Sherloc (09022015). Collection method: clinical testing. Allele origin: germline.
Comment: This sequence change replaces glycine with glutamic acid at codon 56 of the CDKN2A (p14ARF) protein (p.Gly56Glu). The glycine residue is moderately conserved and there is a moderate physicochemical difference between glycine and glutamic acid. This variant is present in population databases (rs748327367, ExAC 0.002%). This variant has not been reported in the literature in individuals with CDKN2A (p14ARF)-related disease. ClinVar contains an entry for this variant (Variation ID: 463514) Algorithms developed to predict the effect of missense changes on protein structure and function do not agree on the potential impact of this missense change (SIFT: Deleterious; PolyPhen-2: Probably Damaging; Align-GVGD: Class C0). In summary, the available evidence is currently insufficient to determine the role of this variant in disease. Therefore, it has been classified as a Variant of Uncertain Significance.

Counsyl
Classification: Uncertain significance for Melanoma-pancreatic cancer syndrome. Last evaluated: 2018-04-19. Review status: no assertion criteria provided. Collection method: clinical testing. Allele origin: unknown. Not counted in ClinVar's aggregate classification.

Literature cited by the submitters: PubMed 29641532 (cited by Ambry Genetics).